The following is an entry in ClinVar:

ClinVar aggregate classification (germline): Likely benign. Review status: criteria provided, multiple submitters, no conflicts (2 of 4 stars). 2 submissions from 2 submitters: Likely benign (2). Last evaluated 2025-04-08.

Conditions:
UNC80-related disorder. Also called: UNC80-related condition.

Allele frequency attached by ClinVar (database versions not stated): gnomAD 0.00003; gnomAD exomes 0.00003.
gnomAD v4.1: 47 of 1,551,980 alleles (0.003%); highest among the groups gnomAD compares: East Asian, 0.022%; no homozygotes.

Submissions (2):

Labcorp Genetics (formerly Invitae), Labcorp
Classification: Likely benign. Last evaluated: 2025-04-08. Review status: criteria provided, single submitter. Criteria: Invitae Variant Classification Sherloc (09022015). Collection method: clinical testing. Allele origin: germline.

PreventionGenetics, part of Exact Sciences
Classification: Likely benign for UNC80-related condition. Last evaluated: 2025-02-25. Review status: criteria provided, single submitter. Criteria: ACMG Guidelines, 2015. Collection method: clinical testing. Allele origin: germline.
Comment: This variant is classified as likely benign based on ACMG/AMP sequence variant interpretation guidelines (Richards et al. 2015 PMID: 25741868, with internal and published modifications).

NM_001371986.1(UNC80):c.6924C>T (p.Ser2308=)

Gene: UNC80 (unc-80 subunit of NALCN channel complex; plus strand). Cytogenetic location: 2q34.
Variant type: single nucleotide variant.
Coding change: c.6924C>T on transcript NM_001371986.1 (MANE Select); coding-DNA position 6924, C replaced by T.
Protein change: p.Ser2308=; no amino-acid change (serine 2308 retained).
Molecular consequence: synonymous variant.
Genome position (GRCh38, 1-based): chr2:209,943,388, C>T. VCF-style: chr2-209943388-C-T. GRCh37 (hg19) VCF-style: chr2-210808112-C-T.
Other names: c.6726C>T (NM_032504.1); c.6726C>T, p.Ser2242= (NM_032504.2); c.6711C>T, p.Ser2237= (NM_182587.4).
Identifiers: ClinVar variation 2713239 (VCV002713239.4), dbSNP rs1006159323, ClinGen allele CA65042822.